The following is an entry in ClinVar:

NM_004958.4(MTOR):c.5494_5514del (p.Ala1832_Ala1838del)

Gene: MTOR (mechanistic target of rapamycin kinase; minus strand). Cytogenetic location: 1p36.22.
Variant type: Deletion.
Coding change: c.5494_5514del on transcript NM_004958.4 (MANE Select); coding-DNA positions 5494 to 5514, 21 bases deleted (GCCACCACGGCCGCCACTGCC).
Protein change: p.Ala1832_Ala1838del.
Molecular consequence: inframe deletion.
Genome position (GRCh38, 1-based): chr1:11,130,628-11,130,648, GGCAGTGGCGGCCGTGGTGGC deleted on the plus strand (GCCACCACGGCCGCCACTGCC on the coding strand, the reverse complement: MTOR is on the minus strand); deleting any 21 consecutive bases within chr1:11,130,628-11,130,656 gives the same sequence; the c. name uses the placement nearest the transcript's 3' end. VCF-style (leftmost placement, unchanged base first): chr1-11130627-TGGCAGTGGCGGCCGTGGTGGC-T. GRCh37 (hg19) VCF-style: chr1-11190684-TGGCAGTGGCGGCCGTGGTGGC-T.
Other names: c.5494_5514del, p.Ala1832_Ala1838del (NM_001386500.1); c.4246_4266del, p.Ala1416_Ala1422del (NM_001386501.1).
Identifiers: ClinVar variation 2028091 (VCV002028091.4), dbSNP rs769184043, ClinGen allele CA589325.

ClinVar aggregate classification (germline): Uncertain significance (1 of 4 stars; one submission).

Submission:

Labcorp Genetics (formerly Invitae), Labcorp
Classification: Uncertain significance. Last evaluated: 2024-06-11. Review status: criteria provided, single submitter. Criteria: Invitae Variant Classification Sherloc (09022015). Collection method: clinical testing. Allele origin: germline.
Comment: This variant, c.5494_5514del, results in the deletion of 7 amino acid(s) of the MTOR protein (p.Ala1832_Ala1838del), but otherwise preserves the integrity of the reading frame. This variant is present in population databases (rs769184043, gnomAD 0.003%). This variant has not been reported in the literature in individuals affected with MTOR-related conditions. ClinVar contains an entry for this variant (Variation ID: 2028091). In summary, the available evidence is currently insufficient to determine the role of this variant in disease. Therefore, it has been classified as a Variant of Uncertain Significance.